The following is an entry in ClinVar:

NM_000535.7(PMS2):c.955C>T (p.Pro319Ser)

Gene: PMS2 (PMS1 homolog 2, mismatch repair system component; minus strand). Cytogenetic location: 7p22.1.
Variant type: single nucleotide variant.
Coding change: c.955C>T on transcript NM_000535.7 (MANE Select); coding-DNA position 955, C replaced by T.
Protein change: p.Pro319Ser; replaces proline 319 with serine.
Molecular consequence: missense variant. On other transcripts: non-coding transcript variant (1).
Genome position (GRCh38, 1-based): chr7:5,992,006, G>A on the plus strand (C>T on the coding strand, the complement: PMS2 is on the minus strand). VCF-style: chr7-5992006-G-A. GRCh37 (hg19) VCF-style: chr7-6031637-G-A.
Other names: c.550C>T, p.Pro184Ser (NM_001322003.2, NM_001322004.2, NM_001322005.2 and 2 more transcripts); c.955C>T, p.Pro319Ser (NM_001322006.2, NM_001322014.2); c.637C>T, p.Pro213Ser (NM_001322007.2, NM_001322008.2); c.22C>T, p.Pro8Ser (NM_001322011.2, NM_001322012.2); c.382C>T, p.Pro128Ser (NM_001322013.2); c.646C>T, p.Pro216Ser (NM_001322015.2); short protein forms P319S, P8S, P184S, P216S, P128S, P213S.
Identifiers: ClinVar variation 577045 (VCV000577045.18), dbSNP rs1248142939, ClinGen allele CA366743121.

ClinVar aggregate classification (germline): Uncertain significance. Review status: criteria provided, multiple submitters, no conflicts (2 of 4 stars). 5 submissions from 5 submitters: Uncertain significance (5). Last evaluated 2025-10-05.

Conditions:
Hereditary cancer-predisposing syndrome. Also called: Tumor predisposition; Hereditary neoplastic syndrome; Hereditary Cancer Syndrome; Neoplastic Syndromes, Hereditary. Identifiers: Orphanet 140162, MedGen C0027672, MeSH D009386, MONDO:0015356.
Lynch syndrome. Identifiers: Orphanet 144, MedGen C4552100, MONDO:0005835. Disease mechanism: loss of function.
Lynch syndrome 4 (LYNCH4). Also called: Hereditary non-polyposis colorectal cancer, type 4; Colorectal cancer, hereditary nonpolyposis, type 4. Identifiers: Orphanet 144, MedGen C1838333, MONDO:0013699, OMIM 614337. Disease mechanism: loss of function.
Hereditary nonpolyposis colorectal neoplasms. Identifiers: MedGen C0009405, MeSH D003123.

Allele frequency attached by ClinVar (database versions not stated): gnomAD exomes below 0.00001; TOPMed below 0.00001.
gnomAD v4.1: 2 of 1,600,018 alleles (0.00012%); highest among the groups gnomAD compares: African/African-American, 0.0027%; no homozygotes.

Submissions (5):

Ambry Genetics
Classification: Uncertain significance for Hereditary cancer-predisposing syndrome. Last evaluated: 2025-10-05. Review status: criteria provided, single submitter. Criteria: Ambry Variant Classification Scheme 2023. Collection method: clinical testing. Allele origin: germline.
Comment: The p.P319S variant (also known as c.955C>T), located in coding exon 9 of the PMS2 gene, results from a C to T substitution at nucleotide position 955. The proline at codon 319 is replaced by serine, an amino acid with similar properties. This amino acid position is conserved. In addition, this alteration is predicted to be deleterious by in silico analysis. Since supporting evidence is limited at this time, the clinical significance of this alteration remains unclear.

Labcorp Genetics (formerly Invitae), Labcorp
Classification: Uncertain significance for Hereditary nonpolyposis colorectal neoplasms. Last evaluated: 2025-09-23. Review status: criteria provided, single submitter. Criteria: Invitae Variant Classification Sherloc (09022015). Collection method: clinical testing. Allele origin: germline.
Comment: This sequence change replaces proline, which is neutral and non-polar, with serine, which is neutral and polar, at codon 319 of the PMS2 protein (p.Pro319Ser). This variant is not present in population databases (gnomAD no frequency). This variant has not been reported in the literature in individuals affected with PMS2-related conditions. ClinVar contains an entry for this variant (Variation ID: 577045). Invitae Evidence Modeling incorporating data from in vitro experimental studies (internal data) indicates that this missense variant is not expected to disrupt PMS2 function with a negative predictive value of 95%. In summary, the available evidence is currently insufficient to determine the role of this variant in disease. Therefore, it has been classified as a Variant of Uncertain Significance.

Color Diagnostics, LLC DBA Color Health
Classification: Uncertain significance for Hereditary cancer-predisposing syndrome. Last evaluated: 2023-12-05. Review status: criteria provided, single submitter. Criteria: ACMG Guidelines, 2015. Collection method: clinical testing. Allele origin: germline.
Comment: This missense variant replaces proline with serine at codon 319 of the PMS2 protein. Computational prediction suggests that this variant may have deleterious impact on protein structure and function (internally defined REVEL score threshold >= 0.7, PMID: 27666373). To our knowledge, functional studies have not been reported for this variant. This variant has not been reported in individuals affected with PMS2-related disorders in the literature. This variant has not been identified in the general population by the Genome Aggregation Database (gnomAD). The available evidence is insufficient to determine the role of this variant in disease conclusively. Therefore, this variant is classified as a Variant of Uncertain Significance.

All of Us Research Program, National Institutes of Health
Classification: Uncertain significance for Lynch syndrome. Last evaluated: 2023-12-01. Review status: criteria provided, single submitter. Criteria: ACMG Guidelines, 2015. Collection method: clinical testing. Allele origin: germline. Inheritance: Autosomal dominant inheritance. Observed: 1 variant allele, 1 heterozygote.
Comment: This study involves interpretation of variants in research participants for the purpose of population health screening. Participant phenotype was not available at the time of variant classification. Additional details can be found in publication PMID: 35346344, PMCID: PMC8962531

Baylor Genetics
Classification: Uncertain significance for Lynch syndrome 4. Last evaluated: 2023-06-04. Review status: criteria provided, single submitter. Criteria: ACMG Guidelines, 2015. Collection method: clinical testing. Allele origin: unknown.